The following is an entry in ClinVar:

ClinVar aggregate classification (germline): Uncertain significance (1 of 4 stars; one submission).

Conditions:
Achondrogenesis, type IA (ACG1A). Identifiers: Orphanet 932, Orphanet 93299, MedGen C0265273, MONDO:0008701, OMIM 200600.

Allele frequency attached by ClinVar (database versions not stated): ExAC 0.00001; TOPMed 0.00001; gnomAD exomes 0.00006.
gnomAD v4.1: 90 of 1,613,394 alleles (0.0056%); highest among the groups gnomAD compares: Non-Finnish European, 0.0075%; no homozygotes.

Submission:

Labcorp Genetics (formerly Invitae), Labcorp
Classification: Uncertain significance for Achondrogenesis, type IA. Last evaluated: 2022-08-09. Review status: criteria provided, single submitter. Criteria: Invitae Variant Classification Sherloc (09022015). Collection method: clinical testing. Allele origin: germline.
Comment: This sequence change replaces glutamine, which is neutral and polar, with glutamic acid, which is acidic and polar, at codon 88 of the TRIP11 protein (p.Gln88Glu). This variant is present in population databases (rs777752254, gnomAD 0.002%). This variant has not been reported in the literature in individuals affected with TRIP11-related conditions. Algorithms developed to predict the effect of missense changes on protein structure and function are either unavailable or do not agree on the potential impact of this missense change (SIFT: "Not Available"; PolyPhen-2: "Possibly Damaging"; Align-GVGD: "Not Available"). In summary, the available evidence is currently insufficient to determine the role of this variant in disease. Therefore, it has been classified as a Variant of Uncertain Significance.

NM_004239.4(TRIP11):c.262C>G (p.Gln88Glu)

Gene: TRIP11 (thyroid hormone receptor interactor 11; minus strand). Cytogenetic location: 14q32.12.
Variant type: single nucleotide variant.
Coding change: c.262C>G on transcript NM_004239.4 (MANE Select); coding-DNA position 262, C replaced by G.
Protein change: p.Gln88Glu; replaces glutamine 88 with glutamic acid.
Molecular consequence: missense variant.
Genome position (GRCh38, 1-based): chr14:92,025,360, G>C on the plus strand (C>G on the coding strand, the complement: TRIP11 is on the minus strand). VCF-style: chr14-92025360-G-C. GRCh37 (hg19) VCF-style: chr14-92491704-G-C.
Other names: c.259C>G, p.Gln87Glu (NM_001321851.1); short protein forms Q87E, Q88E.
Identifiers: ClinVar variation 1905383 (VCV001905383.5), dbSNP rs777752254, ClinGen allele CA7314241.
Genomic context (GRCh38, chr14:92,025,360, plus strand): 5'-TAACATTTACCTCTTTTTGTTGAAGTTGATTTCGGTAACTTGTAGATTGCTGCTTTATTT[G>C]AATCTCTGATGCTTCATGTTTCTCTTCTAGATCAGTACAAAGTTTCTTAAGCCTTTCATT-3'
Protein context (NP_004230.2, residues 78-98): LEEKHEASEI[Gln88Glu]IKQQSTSYRN